The following is an entry in ClinVar:

NM_006267.5(RANBP2):c.7906T>C (p.Tyr2636His)

Gene: RANBP2 (RAN binding protein 2; plus strand). Cytogenetic location: 2q13.
Variant type: single nucleotide variant.
Coding change: c.7906T>C on transcript NM_006267.5 (MANE Select); coding-DNA position 7906, T replaced by C.
Protein change: p.Tyr2636His; replaces tyrosine 2636 with histidine.
Molecular consequence: missense variant.
Genome position (GRCh38, 1-based): chr2:108,771,757, T>C. VCF-style: chr2-108771757-T-C. GRCh37 (hg19) VCF-style: chr2-109388213-T-C.
Other names: c.7984T>C, p.Tyr2662His (NM_001415871.1); c.7903T>C, p.Tyr2635His (NM_001415872.1); c.7906T>C, p.Tyr2636His (NM_001415873.1); short protein forms Y2635H, Y2636H, Y2662H.
Identifiers: ClinVar variation 5020524 (VCV005020524.1).

ClinVar aggregate classification (germline): Uncertain significance (1 of 4 stars; one submission).

Submission:

Dasa
Classification: Uncertain significance. Last evaluated: 2026-05-20. Review status: criteria provided, single submitter. Criteria: DASA Assertion Criteria. Collection method: clinical testing. Allele origin: germline.
Comment: NM_006267.5(RANBP2):c.7906T>C (p.Tyr2636His) is a missense variant that results in the substitution of tyrosine with histidine. This variant is rare in population databases. The currently available literature and clinical evidence are not sufficient to establish a definitive association between this variant and the reported condition. Therefore, this variant is classified as a variant of uncertain significance.